The following is an entry in ClinVar:

NM_001844.5(COL2A1):c.3827G>T (p.Arg1276Leu)

Gene: COL2A1 (collagen type II alpha 1 chain; minus strand). Cytogenetic location: 12q13.11.
Variant type: single nucleotide variant.
Coding change: c.3827G>T on transcript NM_001844.5 (MANE Select); coding-DNA position 3827, G replaced by T.
Protein change: p.Arg1276Leu; replaces arginine 1276 with leucine.
Molecular consequence: missense variant.
Genome position (GRCh38, 1-based): chr12:47,975,376, C>A on the plus strand (G>T on the coding strand, the complement: COL2A1 is on the minus strand). VCF-style: chr12-47975376-C-A. GRCh37 (hg19) VCF-style: chr12-48369159-C-A.
Other names: c.3620G>T, p.Arg1207Leu (NM_033150.3); short protein forms R1276L, R1207L.
Identifiers: ClinVar variation 1044776 (VCV001044776.12), dbSNP rs142168567, ClinGen allele CA6534633.

ClinVar aggregate classification (germline): Conflicting classifications of pathogenicity. Review status: criteria provided, conflicting classifications (1 of 4 stars). 3 submissions from 3 submitters: Uncertain significance (2); Likely benign (1). Last evaluated 2025-02-17.

Allele frequency attached by ClinVar (database versions not stated): TOPMed 0.00001.
gnomAD v4.1: 87 of 1,614,044 alleles (0.0054%); highest among the groups gnomAD compares: Middle Eastern, 0.016%; no homozygotes.

Submissions (3):

Labcorp Genetics (formerly Invitae), Labcorp
Classification: Likely benign. Last evaluated: 2025-02-17. Review status: criteria provided, single submitter. Criteria: Invitae Variant Classification Sherloc (09022015). Collection method: clinical testing. Allele origin: germline.

GeneDx
Classification: Uncertain significance. Last evaluated: 2024-06-11. Review status: criteria provided, single submitter. Criteria: GeneDx Variant Classification Process June 2021. Collection method: clinical testing. Allele origin: germline. Affected: yes.
Comment: Has not been previously published as pathogenic or benign to our knowledge; In silico analysis supports that this missense variant has a deleterious effect on protein structure/function; Not located in the triple helical region, where the majority of pathogenic missense variants occur (HGMD)

Blueprint Genetics
Classification: Uncertain significance. Last evaluated: 2020-04-07. Review status: criteria provided, single submitter. Criteria: ACMG Guidelines, 2015. Collection method: clinical testing. Allele origin: germline.